The following is an entry in ClinVar:

NM_052947.4(ALPK2):c.3333C>A (p.Ser1111Arg)

Gene: ALPK2 (alpha kinase 2; minus strand). Cytogenetic location: 18q21.31.
Variant type: single nucleotide variant.
Coding change: c.3333C>A on transcript NM_052947.4 (MANE Select); coding-DNA position 3333, C replaced by A.
Protein change: p.Ser1111Arg; replaces serine 1111 with arginine.
Molecular consequence: missense variant.
Genome position (GRCh38, 1-based): chr18:58,536,854, G>T on the plus strand (C>A on the coding strand, the complement: ALPK2 is on the minus strand). VCF-style: chr18-58536854-G-T. GRCh37 (hg19) VCF-style: chr18-56204086-G-T.
Other names: short protein forms S1111R.
Identifiers: ClinVar variation 2450776 (VCV002450776.2), dbSNP rs2518876580, ClinGen allele CA402568607.
Genomic context (GRCh38, chr18:58,536,854, plus strand): 5'-ACTTCCTCTTTCTTGGAAATTCTCTTCATAGCTCCTAAAGTCTGCTCTGTCCACAGTCTG[G>T]CTCTTATCTCCAGACAGGTTATCAACCTGAAGAGGGGAATTACTGCAGAAACCCTCTCCC-3'
Protein context (NP_443179.3, residues 1101-1121): LQVDNLSGDK[Ser1111Arg]QTVDRADFRS

ClinVar aggregate classification (germline): Uncertain significance (1 of 4 stars; one submission).

Submission:

Ambry Genetics
Classification: Uncertain significance. Last evaluated: 2023-01-27. Review status: criteria provided, single submitter. Criteria: Ambry Variant Classification Scheme 2023. Collection method: clinical testing. Allele origin: germline.
Comment: The p.S1111R variant (also known as c.3333C>A), located in coding exon 4 of the ALPK2 gene, results from a C to A substitution at nucleotide position 3333. The serine at codon 1111 is replaced by arginine, an amino acid with dissimilar properties. This amino acid position is conserved. In addition, this alteration is predicted to be tolerated by in silico analysis. Since supporting evidence is limited at this time, the clinical significance of this alteration remains unclear.